The following is an entry in ClinVar:

ClinVar aggregate classification (germline): Uncertain significance (1 of 4 stars; one submission).

Conditions:
Generalized epilepsy with febrile seizures plus, type 9 (GEFSP9). Also called: GEFS+, TYPE 9. Identifiers: Orphanet 36387, MedGen C4015395, MONDO:0014517, OMIM 616172.

Allele frequency attached by ClinVar (database versions not stated): TOPMed below 0.00001; gnomAD exomes 0.00001; ExAC 0.00002.

Submission:

Labcorp Genetics (formerly Invitae), Labcorp
Classification: Uncertain significance for Generalized epilepsy with febrile seizures plus, type 9. Last evaluated: 2023-01-24. Review status: criteria provided, single submitter. Criteria: Invitae Variant Classification Sherloc (09022015). Collection method: clinical testing. Allele origin: germline.
Comment: In summary, the available evidence is currently insufficient to determine the role of this variant in disease. Therefore, it has been classified as a Variant of Uncertain Significance. Advanced modeling of protein sequence and biophysical properties (such as structural, functional, and spatial information, amino acid conservation, physicochemical variation, residue mobility, and thermodynamic stability) performed at Invitae indicates that this missense variant is not expected to disrupt STX1B protein function. This variant has not been reported in the literature in individuals affected with STX1B-related conditions. This variant is present in population databases (rs755533896, gnomAD 0.006%). This sequence change replaces asparagine, which is neutral and polar, with serine, which is neutral and polar, at codon 161 of the STX1B protein (p.Asn161Ser).

NM_052874.5(STX1B):c.482A>G (p.Asn161Ser)

Gene: STX1B (syntaxin 1B; minus strand). Cytogenetic location: 16p11.2.
Variant type: single nucleotide variant.
Coding change: c.482A>G on transcript NM_052874.5 (MANE Select); coding-DNA position 482, A replaced by G.
Protein change: p.Asn161Ser; replaces asparagine 161 with serine.
Molecular consequence: missense variant.
Genome position (GRCh38, 1-based): chr16:30,996,738, T>C on the plus strand (A>G on the coding strand, the complement: STX1B is on the minus strand). VCF-style: chr16-30996738-T-C. GRCh37 (hg19) VCF-style: chr16-31008059-T-C.
Other names: short protein forms N161S.
Identifiers: ClinVar variation 2994647 (VCV002994647.3), dbSNP rs755533896, ClinGen allele CA8018344.